The following is an entry in ClinVar:

ClinVar aggregate classification (germline): Pathogenic (1 of 4 stars; one submission).

Conditions:
Kabuki syndrome 1 (KABUK1). Also called: KMT2D-Related Kabuki Syndrome. Identifiers: Orphanet 2322, MedGen CN030661, MONDO:0007843, OMIM 147920.

Submission:

Victorian Clinical Genetics Services, Murdoch Childrens Research Institute
Classification: Pathogenic for Kabuki syndrome 1. Last evaluated: 2024-10-09. Review status: criteria provided, single submitter. Criteria: ACMG Guidelines, 2015. Collection method: clinical testing. Allele origin: germline. Inheritance: Autosomal dominant inheritance. Affected: yes.
Comment: Based on the classification scheme VCGS_Germline_v1.3.4, this variant is classified as Pathogenic. Following criteria are met: 0102 - Loss of function is a known mechanism of disease in this gene and is associated with Kabuki syndrome 1 (MIM#147920). (I) 0107 - This gene is associated with autosomal dominant disease. (I) 0115 - Variants in this gene are known to have variable expressivity (PMID: 21882399). (I) 0201 - Variant is predicted to cause nonsense-mediated decay (NMD) and loss of protein (premature termination codon is located at least 54 nucleotides upstream of the final exon-exon junction). (SP) 0251 - This variant is heterozygous. (I) 0301 - Variant is absent from gnomAD (both v2 and v3). (SP) 0701 - Other variants predicted to result in NMD comparable to the one identified in this case have very strong previous evidence for pathogenicity (DECIPHER). (SP) 0807 - This variant has no previous evidence of pathogenicity. (I) 0905 - No published segregation evidence has been identified for this variant. (I) 1007 - No published functional evidence has been identified for this variant. (SP) Legend: (SP) - Supporting pathogenic, (I) - Information, (SB) - Supporting benign

Literature cited by the submitters: PubMed 21882399.

NM_003482.4(KMT2D):c.9218del (p.Val3073fs)

Gene: KMT2D (lysine methyltransferase 2D; minus strand). Cytogenetic location: 12q13.12.
Variant type: Deletion.
Coding change: c.9218del on transcript NM_003482.4 (MANE Select); coding-DNA position 9218, one base deleted (T; older notation c.9218delT).
Protein change: p.Val3073fs; shifts the reading frame from valine 3073.
Molecular consequence: frameshift variant.
Genome position (GRCh38, 1-based): chr12:49,038,138, A deleted on the plus strand (T on the coding strand, the reverse complement: KMT2D is on the minus strand). VCF-style (leftmost placement, unchanged base first): chr12-49038137-TA-T. GRCh37 (hg19) VCF-style: chr12-49431920-TA-T.
Other names: short protein forms V3073fs.
Identifiers: ClinVar variation 3377216 (VCV003377216.1).